The following is an entry in ClinVar:

NM_000517.6(HBA2):c.191C>A (p.Ala64Asp)

Genes: HBA2 (hemoglobin subunit alpha 2; plus strand), LOC106804612 (hemoglobin subunit alpha 2 recombination region; plus strand). Cytogenetic location: 16p13.3.
Variant type: single nucleotide variant.
Coding change: c.191C>A on transcript NM_000517.6 (MANE Select); coding-DNA position 191, C replaced by A.
Protein change: p.Ala64Asp; replaces alanine 64 with aspartic acid.
Molecular consequence: missense variant.
Genome position (GRCh38, 1-based): chr16:173,220, C>A. VCF-style: chr16-173220-C-A. GRCh37 (hg19) VCF-style: chr16-223219-C-A.
Other names: short protein forms A64D.
Identifiers: ClinVar variation 4532964 (VCV004532964.2).

ClinVar aggregate classification (germline): Conflicting classifications of pathogenicity. Review status: criteria provided, conflicting classifications (1 of 4 stars). 2 submissions from 2 submitters: Uncertain significance (1); Likely benign (1). Last evaluated 2025-07-11.

Submissions (2):

ARUP Laboratories, Molecular Genetics and Genomics, ARUP Laboratories
Classification: Likely benign. Last evaluated: 2025-07-11. Review status: criteria provided, single submitter. Criteria: ARUP Molecular Germline Variant Investigation Process 2024. Collection method: clinical testing. Allele origin: germline.
Comment: The Hb J-Pontoise variant (HBA2: c.191C>A; p.Ala64Asp, also known as Ala63Asp when numbered from the mature protein, rs281864848, HbVar ID: 94) is reported in the literature in multiple heterozygous individuals with no hematologic abnormalities (HbVar database and references therein, Kimura 2015, Gonzalez 1987). This variant is also reported in an individual with cutaneous chronic porphyria; however, hematological details were not provided (Thillet 1977). This variant is absent from the Genome Aggregation Database (v2.1.1), indicating it is not a common polymorphism. Computational analyses are uncertain whether this variant is neutral or deleterious (REVEL: 0.65). In vitro functional analyses demonstrate increased oxygen affinity and is mildly unstable (HbVar database and references therein). Based on available information, this variant is considered to be likely benign. References: Link to HbVar database: Gonzalez Redondo JM et al. Hb J-Pontoise or alpha 2(63)(E12)Ala----Asp beta 2 in four members of a Spanish family. Hemoglobin. 1987;11(1):47-50. PMID: 3583765. Kimura EM et al. Investigating alpha-globin structural variants: a retrospective review of 135,000 Brazilian individuals. Rev Bras Hematol Hemoter. 2015 Mar-Apr;37(2):103-8. PMID: 25818820. Thillet J et al. Hemoglobin Pontoise alpha63 Ala replaced by Asp(E12). A new fast moving variant. Biochim Biophys Acta. 1977 Mar 28;491(1):16-22. PMID: 849454.

Quest Diagnostics Nichols Institute San Juan Capistrano
Classification: Uncertain significance. Last evaluated: 2024-12-13. Review status: criteria provided, single submitter. Criteria: Quest Diagnostics criteria. Collection method: clinical testing. Allele origin: unknown.
Comment: The HBA2 c.191C>A (p.Ala64Asp) variant has been reported in the published literature in an individual with cutaneous chronic porphyria (PMID: 849454 (1977)), as well as in a family with normal hematological data (PMID: 3583765 (1987)). An in vitro assay demonstrated inconclusive results on protein function (PMID: 849454 (1977)). This variant has not been reported in large, multi-ethnic general populations (Genome Aggregation Database). Analysis of this variant using a bioinformatics tool for the prediction of the effect of amino acid changes on protein structure and function yielded a prediction that this variant is damaging. Based on the available information, we are unable to determine the clinical significance of this variant.

Literature cited by the submitters: PubMed 849454 (cited by Quest Diagnostics Nichols Institute San Juan Capistrano); PubMed 3583765 (cited by Quest Diagnostics Nichols Institute San Juan Capistrano).